The following is an entry in ClinVar:

NM_152594.3(SPRED1):c.130G>A (p.Val44Ile)

Gene: SPRED1 (sprouty related EVH1 domain containing 1; plus strand). Cytogenetic location: 15q14.
Variant type: single nucleotide variant.
Coding change: c.130G>A on transcript NM_152594.3 (MANE Select); coding-DNA position 130, G replaced by A.
Protein change: p.Val44Ile; replaces valine 44 with isoleucine.
Molecular consequence: missense variant.
Genome position (GRCh38, 1-based): chr15:38,299,470, G>A. VCF-style: chr15-38299470-G-A. GRCh37 (hg19) VCF-style: chr15-38591671-G-A.
Other names: short protein forms V44I.
Identifiers: ClinVar variation 4865043 (VCV004865043.1).

ClinVar aggregate classification (germline): Uncertain significance (1 of 4 stars; one submission).

Conditions:
Cardiovascular phenotype. Identifiers: MedGen CN230736.

Submission:

Ambry Genetics
Classification: Uncertain significance for Cardiovascular phenotype. Last evaluated: 2026-05-27. Review status: criteria provided, single submitter. Criteria: Ambry Variant Classification Scheme 2023. Collection method: clinical testing. Allele origin: germline.
Comment: The p.V44I variant (also known as c.130G>A), located in coding exon 2 of the SPRED1 gene, results from a G to A substitution at nucleotide position 130. The valine at codon 44 is replaced by isoleucine, an amino acid with highly similar properties. This amino acid position is conserved. In addition, the in silico prediction for this alteration is inconclusive. Based on the available evidence, the clinical significance of this variant remains unclear.